The following is an entry in ClinVar:

NM_033641.4(COL4A6):c.1360T>C (p.Ser454Pro)

Gene: COL4A6 (collagen type IV alpha 6 chain; minus strand). Cytogenetic location: Xq22.3.
Variant type: single nucleotide variant.
Coding change: c.1360T>C on transcript NM_033641.4 (MANE Select); coding-DNA position 1360, T replaced by C.
Protein change: p.Ser454Pro; replaces serine 454 with proline.
Molecular consequence: missense variant.
Genome position (GRCh38, 1-based): chrX:108,190,458, A>G on the plus strand (T>C on the coding strand, the complement: COL4A6 is on the minus strand). VCF-style: chrX-108190458-A-G. GRCh37 (hg19) VCF-style: chrX-107433688-A-G.
Other names: c.1360T>C, p.Ser454Pro (NM_001287758.2, NM_001287759.2, NM_001287760.2); c.1363T>C, p.Ser455Pro (NM_001847.4); short protein forms S455P, S454P.
Identifiers: ClinVar variation 258267 (VCV000258267.15), dbSNP rs1042065, ClinGen allele CA10487854.
Genomic context (GRCh38, chrX:108,190,458, plus strand): 5'-TTCCTTTGAGGCCTAGGTTTCCTTTTGGACCTTGTTCTCCTCGGAGACCAGGGAACCCTG[A>G]CTCTTTGTTGTGTAGAGTTTCAGTCTCAAATTCTGGACCTTTGGGTAAAAAAAAGATAAA-3'
Protein context (NP_378667.1, residues 444-464): FETETLHNKE[Ser454Pro]GFPGLRGEQG

ClinVar aggregate classification (germline): Benign. Review status: criteria provided, multiple submitters, no conflicts (2 of 4 stars). 7 submissions from 7 submitters: Benign (7). Last evaluated 2026-02-04.

Conditions:
Hearing loss, X-linked 6. Also called: Deafness, X-linked 6. Identifiers: Orphanet 90625, MedGen C3806737, MONDO:0010484, OMIM 300914.

Allele frequency attached by ClinVar (database versions not stated): 1000 Genomes Project 0.57325; 1000 Genomes Project 30x 0.57815; gnomAD exomes 0.67102; TOPMed 0.67864; ExAC 0.68513; ESP Exome Variant Server 0.74259; gnomAD 0.74364.

Submissions (7):

Labcorp Genetics (formerly Invitae), Labcorp
Classification: Benign. Last evaluated: 2026-02-04. Review status: criteria provided, single submitter. Criteria: Invitae Variant Classification Sherloc (09022015). Collection method: clinical testing. Allele origin: germline.

Blueprint Genetics
Classification: Benign. Last evaluated: 2024-11-28. Review status: criteria provided, single submitter. Criteria: ACMG Guidelines, 2015. Collection method: clinical testing. Allele origin: germline.

Mayo Clinic Laboratories, Mayo Clinic
Classification: Benign. Last evaluated: 2022-03-09. Review status: criteria provided, single submitter. Criteria: ACMG Guidelines, 2015. Collection method: clinical testing. Allele origin: germline. Observed: 243 variant alleles.

Genome-Nilou Lab
Classification: Benign for Hearing loss, X-linked 6. Last evaluated: 2021-07-30. Review status: criteria provided, single submitter. Criteria: ACMG Guidelines, 2015. Collection method: clinical testing. Allele origin: germline. Affected: no.

GeneDx
Classification: Benign. Last evaluated: 2017-05-09. Review status: criteria provided, single submitter. Criteria: GeneDx Variant Classification (06012015). Collection method: clinical testing. Allele origin: germline. Affected: yes.
Comment: This variant is considered likely benign or benign based on one or more of the following criteria: it is a conservative change, it occurs at a poorly conserved position in the protein, it is predicted to be benign by multiple in silico algorithms, and/or has population frequency not consistent with disease.

Breakthrough Genomics
Classification: Benign. Review status: criteria provided, single submitter. Criteria: ACMG Guidelines, 2015. Collection method: not provided. Allele origin: germline. Inheritance: X-linked inheritance. Affected: yes.

PreventionGenetics, part of Exact Sciences
Classification: Benign. Review status: criteria provided, single submitter. Criteria: ACMG Guidelines, 2015. Collection method: clinical testing. Allele origin: germline.